The following is an entry in ClinVar:

NM_004415.4(DSP):c.1438dup (p.Asp480fs)

Gene: DSP (desmoplakin; plus strand). Cytogenetic location: 6p24.3.
Variant type: Duplication.
Coding change: c.1438dup on transcript NM_004415.4 (MANE Select); coding-DNA position 1438, one base duplicated (G; older notation c.1438dupG).
Protein change: p.Asp480fs; shifts the reading frame from aspartic acid 480.
Molecular consequence: frameshift variant.
Genome position (GRCh38, 1-based): chr6:7,569,204, G duplicated; the last of 5 consecutive G bases (chr6:7,569,200-7,569,204); duplicating any one gives the same sequence. VCF-style (leftmost placement, unchanged base first): chr6-7569199-A-AG. GRCh37 (hg19) VCF-style: chr6-7569432-A-AG.
Other names: c.1438dup, p.Asp480fs (NM_001008844.3, NM_001319034.2); short protein forms D480fs.
Identifiers: ClinVar variation 2952726 (VCV002952726.3), dbSNP rs2533886847, ClinGen allele CA2740094253.

ClinVar aggregate classification (germline): Pathogenic (1 of 4 stars; one submission).

Conditions:
Arrhythmogenic cardiomyopathy with wooly hair and keratoderma. Also called: PALMOPLANTAR KERATODERMA WITH LEFT VENTRICULAR CARDIOMYOPATHY AND WOOLLY HAIR; Carvajal syndrome; Arrhythmogenic cardiomyopathy with woolly hair and keratoderma; Dilated cardiomyopathy with woolly hair and keratoderma. Identifiers: Orphanet 65282, MedGen C1854063, MONDO:0011581, OMIM 605676.
Arrhythmogenic right ventricular dysplasia 8 (ARVD8). Also called: Arrhythmogenic Right Ventricular Dysplasia/Cardiomyopathy 8; ARRHYTHMOGENIC RIGHT VENTRICULAR DYSPLASIA, FAMILIAL, 8; ARRHYTHMOGENIC RIGHT VENTRICULAR CARDIOMYOPATHY 8. Identifiers: MedGen C1843896, MONDO:0011831, OMIM 607450.

Submission:

Labcorp Genetics (formerly Invitae), Labcorp
Classification: Pathogenic for Arrhythmogenic cardiomyopathy with wooly hair and keratoderma; Arrhythmogenic right ventricular dysplasia 8. Last evaluated: 2024-01-03. Review status: criteria provided, single submitter. Criteria: Invitae Variant Classification Sherloc (09022015). Collection method: clinical testing. Allele origin: germline.
Comment: This sequence change creates a premature translational stop signal (p.Asp480Glyfs*2) in the DSP gene. It is expected to result in an absent or disrupted protein product. Loss-of-function variants in DSP are known to be pathogenic (PMID: 20716751, 24503780, 25227139). This variant is not present in population databases (gnomAD no frequency). This variant has not been reported in the literature in individuals affected with DSP-related conditions. For these reasons, this variant has been classified as Pathogenic.

Literature cited by the submitters: PubMed 20716751; PubMed 24503780; PubMed 25227139.